The following is an entry in ClinVar:

ClinVar aggregate classification (germline): Benign/Likely benign. Review status: criteria provided, multiple submitters, no conflicts (2 of 4 stars). 5 submissions from 5 submitters: Benign (1); Likely benign (3). 1 of the submissions does not count toward it. Last evaluated 2026-04-01.

Conditions:
NBAS-related disorder. Also called: NBAS-related condition.

Allele frequency attached by ClinVar (database versions not stated): 1000 Genomes Project 30x 0.00125; gnomAD exomes 0.00130 and 0.00202; TOPMed 0.00145; ESP Exome Variant Server 0.00192; gnomAD 0.00115 and 0.00116; 1000 Genomes Project 0.00120; ExAC 0.00121.
gnomAD v4.1: 3,137 of 1,614,034 alleles (0.19%); highest among the groups gnomAD compares: Middle Eastern, 0.25%; 8 homozygotes.

Submissions (5):

CeGaT Center for Human Genetics Tuebingen
Classification: Likely benign. Last evaluated: 2026-04-01. Review status: criteria provided, single submitter. Criteria: CeGaT Center For Human Genetics Tuebingen Variant Classification Criteria Version 2. Collection method: clinical testing. Allele origin: germline. Affected: yes. Observed: 3 variant alleles.
Comment: NBAS: BP4, BS2

Labcorp Genetics (formerly Invitae), Labcorp
Classification: Benign. Last evaluated: 2026-02-02. Review status: criteria provided, single submitter. Criteria: Invitae Variant Classification Sherloc (09022015). Collection method: clinical testing. Allele origin: germline.

Women's Health and Genetics/Laboratory Corporation of America, LabCorp
Classification: Likely benign. Last evaluated: 2025-10-02. Review status: criteria provided, single submitter. Criteria: LabCorp Variant Classification Summary - May 2015. Collection method: clinical testing. Allele origin: germline.
Comment: Variant summary: NBAS c.1702G>A (p.Val568Ile) results in a conservative amino acid change in the encoded protein sequence. Algorithms developed to predict the effect of missense changes on protein structure and function all suggest that this variant is likely to be tolerated. The variant allele was found at a frequency of 0.0013 in 251304 control chromosomes in the gnomAD database, including 4 homozygotes. The observed variant frequency exceeds the estimated maximal expected allele frequency for disease-causing variants in NBAS. To our knowledge, no occurrence of c.1702G>A in individuals affected with NBAS-related conditions and no experimental evidence demonstrating its impact on protein function have been reported. ClinVar contains an entry for this variant (Variation ID: 714937). Based on the evidence outlined above, the variant was classified as likely benign.

Mayo Clinic Laboratories, Mayo Clinic
Classification: Likely benign. Last evaluated: 2024-12-17. Review status: criteria provided, single submitter. Criteria: ACMG Guidelines, 2015. Collection method: clinical testing. Allele origin: germline. Observed: 1 variant allele.
Comment: BS1, BP4_moderate

PreventionGenetics, part of Exact Sciences
Classification: Likely benign for NBAS-related condition. Last evaluated: 2021-08-26. Review status: no assertion criteria provided. Collection method: clinical testing. Allele origin: germline. Not counted in ClinVar's aggregate classification.
Comment: This variant is classified as likely benign based on ACMG/AMP sequence variant interpretation guidelines (Richards et al. 2015 PMID: 25741868, with internal and published modifications).

Literature cited by the submitters: PubMed 34023347 (cited by Mayo Clinic Laboratories, Mayo Clinic).

NM_015909.4(NBAS):c.1702G>A (p.Val568Ile)

Gene: NBAS (NBAS subunit of NRZ tethering complex; minus strand). Cytogenetic location: 2p24.3.
Variant type: single nucleotide variant.
Coding change: c.1702G>A on transcript NM_015909.4 (MANE Select); coding-DNA position 1702, G replaced by A.
Protein change: p.Val568Ile; replaces valine 568 with isoleucine.
Molecular consequence: missense variant. On other transcripts: non-coding transcript variant (1).
Genome position (GRCh38, 1-based): chr2:15,473,245, C>T on the plus strand (G>A on the coding strand, the complement: NBAS is on the minus strand). VCF-style: chr2-15473245-C-T. GRCh37 (hg19) VCF-style: chr2-15613369-C-T.
Other names: p.Val568Ile; short protein forms V568I.
Identifiers: ClinVar variation 714937 (VCV000714937.52), dbSNP rs150197485, ClinGen allele CA1536593.